The following is an entry in ClinVar:

ClinVar aggregate classification (germline): Uncertain significance (1 of 4 stars; one submission).

Submission:

Labcorp Genetics (formerly Invitae), Labcorp
Classification: Uncertain significance. Last evaluated: 2024-09-12. Review status: criteria provided, single submitter. Criteria: Invitae Variant Classification Sherloc (09022015). Collection method: clinical testing. Allele origin: germline.
Comment: This sequence change replaces glutamic acid, which is acidic and polar, with lysine, which is basic and polar, at codon 1409 of the CACNA1F protein (p.Glu1409Lys). This variant is not present in population databases (gnomAD no frequency). This variant has not been reported in the literature in individuals affected with CACNA1F-related conditions. Invitae Evidence Modeling of protein sequence and biophysical properties (such as structural, functional, and spatial information, amino acid conservation, physicochemical variation, residue mobility, and thermodynamic stability) indicates that this missense variant is not expected to disrupt CACNA1F protein function with a negative predictive value of 80%. In summary, the available evidence is currently insufficient to determine the role of this variant in disease. Therefore, it has been classified as a Variant of Uncertain Significance.

NM_001256789.3(CACNA1F):c.4192G>A (p.Glu1398Lys)

Gene: CACNA1F (calcium voltage-gated channel subunit alpha1 F; minus strand). Cytogenetic location: Xp11.23.
Variant type: single nucleotide variant.
Coding change: c.4192G>A on transcript NM_001256789.3 (MANE Select); coding-DNA position 4192, G replaced by A.
Protein change: p.Glu1398Lys; replaces glutamic acid 1398 with lysine.
Molecular consequence: missense variant.
Genome position (GRCh38, 1-based): chrX:49,211,390, C>T on the plus strand (G>A on the coding strand, the complement: CACNA1F is on the minus strand). VCF-style: chrX-49211390-C-T. GRCh37 (hg19) VCF-style: chrX-49067850-C-T.
Other names: c.4030G>A, p.Glu1344Lys (NM_001256790.3); c.4225G>A, p.Glu1409Lys (NM_005183.4); short protein forms E1344K, E1398K, E1409K.
Identifiers: ClinVar variation 3712918 (VCV003712918.2).